The following is an entry in ClinVar:

ClinVar aggregate classification (germline): Pathogenic (1 of 4 stars; one submission).

Conditions:
Familial multiple polyposis syndrome (FAP). Also called: Familial adenomatous polyposis; Familial intestinal polyposis; Classic familial adenomatous polyposis; Familial polyposis; Familial Adenomatous Polyposis (FAP). Identifiers: Orphanet 733, MedGen C0032580, MONDO:0021055. Disease mechanism: loss of function.

Submission:

Women's Health and Genetics/Laboratory Corporation of America, LabCorp
Classification: Pathogenic for Familial multiple polyposis syndrome. Last evaluated: 2023-09-07. Review status: criteria provided, single submitter. Criteria: LabCorp Variant Classification Summary - May 2015. Collection method: clinical testing. Allele origin: germline.
Comment: Variant summary: The variant identified by MLPA or other technology involves the deletion of exons 1-16 in the APC gene. A presumed nomenclature of c.(?_-86)_(*2114_?)del has been designated for the purposes of this classification. Although exact breakpoints of this deletion are not known, it is expected to result in a large deletion in the APC gene, a known mechanism of disease. The variant was absent in 21694 control chromosomes (gnomAD). APC whole gene deletions (often including the upstream promoter region 1A and sometimes the further upstream 1B) have been reported in the literature in multiple individuals affected with Familial Adenomatous Polyposis (e.g. Susswein 2016, Nielsen 2007, Rohlin 2011). These data indicate that the variant is very likely to be associated with disease. The following publications have been ascertained in the context of this evaluation (PMID: 26681312, 21643010, 17568392). One submitter has cited a clinical-significance assessment for this variant to ClinVar after 2014 and has classified the variant as pathogenic. Based on the evidence outlined above, the variant was classified as pathogenic.

Literature cited by the submitters: PubMed 26681312; PubMed 21643010; PubMed 17568392.

NC_000005.9:g.(?_112073555)_(112181937_?)del

Gene: APC (APC regulator of Wnt signaling pathway; plus strand). Cytogenetic location: 5q22.2.
Variant type: Deletion.
Identifiers: ClinVar variation 2627142 (VCV002627142.1).